The following is an entry in ClinVar:

NM_001908.5(CTSB):c.129C>T (p.Ala43=)

Gene: CTSB (cathepsin B). Cytogenetic location: 8p23.1.
Variant type: single nucleotide variant.
Coding change: c.129C>T on transcript NM_001908.5 (MANE Select); coding-DNA position 129, C replaced by T.
Protein change: p.Ala43=; no amino-acid change (alanine 43 retained).
Molecular consequence: synonymous variant. On other transcripts: 5 prime UTR variant (1).
Genome position (GRCh38, 1-based): chr8:11,852,693, G>A on the plus strand (C>T on the coding strand, the complement: CTSB is on the minus strand). VCF-style: chr8-11852693-G-A. GRCh37 (hg19) VCF-style: chr8-11710202-G-A.
Other names: c.-125C>T (NM_001317237.2); c.129C>T, p.Ala43= (NM_001384714.1, NM_001384723.1, NM_001384724.1 and 8 more transcripts).
Identifiers: ClinVar variation 3038771 (VCV003038771.2), dbSNP rs149724176, ClinGen allele CA4633132.

ClinVar aggregate classification (germline): Likely benign (0 of 4 stars; one submission).

Conditions:
CTSB-related disorder. Also called: CTSB-related condition.

Allele frequency attached by ClinVar (database versions not stated): ESP Exome Variant Server 0.00008; ExAC 0.00056; 1000 Genomes Project 30x 0.00062; 1000 Genomes Project 0.00080.
gnomAD v4.1: 356 of 1,613,788 alleles (0.022%); highest among the groups gnomAD compares: South Asian, 0.31%; no homozygotes.

Submission:

PreventionGenetics, part of Exact Sciences
Classification: Likely benign for CTSB-related condition. Last evaluated: 2019-05-23. Review status: no assertion criteria provided. Collection method: clinical testing. Allele origin: germline.
Comment: This variant is classified as likely benign based on ACMG/AMP sequence variant interpretation guidelines (Richards et al. 2015 PMID: 25741868, with internal and published modifications).